The following is an entry in ClinVar:

NM_152281.3(GORAB):c.814C>G (p.Gln272Glu)

Gene: GORAB (golgin, RAB6 interacting; plus strand). Cytogenetic location: 1q24.2.
Variant type: single nucleotide variant.
Coding change: c.814C>G on transcript NM_152281.3 (MANE Select); coding-DNA position 814, C replaced by G.
Protein change: p.Gln272Glu; replaces glutamine 272 with glutamic acid.
Molecular consequence: missense variant. On other transcripts: non-coding transcript variant (1).
Genome position (GRCh38, 1-based): chr1:170,552,166, C>G. VCF-style: chr1-170552166-C-G. GRCh37 (hg19) VCF-style: chr1-170521307-C-G.
Other names: c.349C>G, p.Gln117Glu (NM_001320252.2); c.763C>G, p.Gln255Glu (NM_001410894.1); c.889C>G (NM_152281.2); short protein forms Q272E, Q117E, Q255E.
Identifiers: ClinVar variation 1960744 (VCV001960744.3), dbSNP rs752876119, ClinGen allele CA1239247.

ClinVar aggregate classification (germline): Uncertain significance. Review status: criteria provided, multiple submitters, no conflicts (2 of 4 stars). 2 submissions from 2 submitters: Uncertain significance (2). Last evaluated 2025-08-16.

Allele frequency attached by ClinVar (database versions not stated): gnomAD exomes 0.00001; TOPMed 0.00001; ExAC 0.00001; gnomAD 0.00001.
gnomAD v4.1: 18 of 1,613,912 alleles (0.0011%); highest among the groups gnomAD compares: African/African-American, 0.0027%; no homozygotes.

Submissions (2):

GeneDx
Classification: Uncertain significance. Last evaluated: 2025-08-16. Review status: criteria provided, single submitter. Criteria: GeneDx Variant Classification Process June 2021. Collection method: clinical testing. Allele origin: germline. Affected: yes.
Comment: Not observed at significant frequency in large population cohorts (gnomAD); In silico analysis suggests that this missense variant does not alter protein structure/function; Has not been previously published as pathogenic or benign to our knowledge

Labcorp Genetics (formerly Invitae), Labcorp
Classification: Uncertain significance. Last evaluated: 2022-05-06. Review status: criteria provided, single submitter. Criteria: Invitae Variant Classification Sherloc (09022015). Collection method: clinical testing. Allele origin: germline.
Comment: This sequence change replaces glutamine, which is neutral and polar, with glutamic acid, which is acidic and polar, at codon 297 of the GORAB protein (p.Gln297Glu). This variant is present in population databases (rs752876119, gnomAD 0.007%). This variant has not been reported in the literature in individuals affected with GORAB-related conditions. Algorithms developed to predict the effect of missense changes on protein structure and function (SIFT, PolyPhen-2, Align-GVGD) all suggest that this variant is likely to be tolerated. In summary, the available evidence is currently insufficient to determine the role of this variant in disease. Therefore, it has been classified as a Variant of Uncertain Significance.